The following is an entry in ClinVar:

NM_182914.3(SYNE2):c.4114G>T (p.Asp1372Tyr)

Gene: SYNE2 (spectrin repeat containing nuclear envelope protein 2; plus strand). Cytogenetic location: 14q23.2.
Variant type: single nucleotide variant.
Coding change: c.4114G>T on transcript NM_182914.3 (MANE Select); coding-DNA position 4114, G replaced by T.
Protein change: p.Asp1372Tyr; replaces aspartic acid 1372 with tyrosine.
Molecular consequence: missense variant.
Genome position (GRCh38, 1-based): chr14:64,003,047, G>T. VCF-style: chr14-64003047-G-T. GRCh37 (hg19) VCF-style: chr14-64469765-G-T.
Other names: c.4114G>T, p.Asp1372Tyr (NM_015180.6); short protein forms D1372Y.
Identifiers: ClinVar variation 2189038 (VCV002189038.4), dbSNP rs2551003281, ClinGen allele CA389998575.
Genomic context (GRCh38, chr14:64,003,047, plus strand): 5'-GTGGCACAAGAAAATACGTTGACAGTAAAAAATAAAGAGGGAGAAATTCATCTGATGAAA[G>T]ACAAGGCCAAACATTTGGATAAATGTTTGAAGATGCTCGATATGAGCTTTAAAGATGCTG-3'
Protein context (NP_878918.2, residues 1362-1382): NKEGEIHLMK[Asp1372Tyr]KAKHLDKCLK

ClinVar aggregate classification (germline): Uncertain significance (1 of 4 stars; one submission).

Conditions:
Emery-Dreifuss muscular dystrophy 5, autosomal dominant (EDMD5). Also called: EMERY-DREIFUSS MUSCULAR DYSTROPHY 5. Identifiers: Orphanet 261, MedGen C2751805, MONDO:0013072, OMIM 612999.

Submission:

Labcorp Genetics (formerly Invitae), Labcorp
Classification: Uncertain significance for Emery-Dreifuss muscular dystrophy 5, autosomal dominant. Last evaluated: 2022-03-24. Review status: criteria provided, single submitter. Criteria: Invitae Variant Classification Sherloc (09022015). Collection method: clinical testing. Allele origin: germline.
Comment: In summary, the available evidence is currently insufficient to determine the role of this variant in disease. Therefore, it has been classified as a Variant of Uncertain Significance. Algorithms developed to predict the effect of missense changes on protein structure and function are either unavailable or do not agree on the potential impact of this missense change (SIFT: "Deleterious"; PolyPhen-2: "Possibly Damaging"; Align-GVGD: "Class C0"). This variant has not been reported in the literature in individuals affected with SYNE2-related conditions. This variant is not present in population databases (gnomAD no frequency). This sequence change replaces aspartic acid, which is acidic and polar, with tyrosine, which is neutral and polar, at codon 1372 of the SYNE2 protein (p.Asp1372Tyr).